The following is an entry in ClinVar:

ClinVar aggregate classification (germline): Uncertain significance (1 of 4 stars; one submission).

Conditions:
Hereditary breast ovarian cancer syndrome. Also called: BRCA1- and BRCA2-Associated Hereditary Breast and Ovarian Cancer; Hereditary breast and/or ovarian cancer syndrome; Hereditary breast and ovarian cancer syndrome; Hereditary breast and ovarian cancer; Hereditary breast and ovarian cancer syndrome (HBOC); Breast and ovarian cancer. Identifiers: Orphanet 145, MedGen C0677776, MeSH D061325, MONDO:0003582. Disease mechanism: loss of function.

Submission:

Labcorp Genetics (formerly Invitae), Labcorp
Classification: Uncertain significance for Hereditary breast ovarian cancer syndrome. Last evaluated: 2020-09-15. Review status: criteria provided, single submitter. Criteria: Invitae Variant Classification Sherloc (09022015). Collection method: clinical testing. Allele origin: germline.
Comment: In summary, the available evidence is currently insufficient to determine the role of this variant in disease. Therefore, it has been classified as a Variant of Uncertain Significance. Experimental studies and prediction algorithms are not available or were not evaluated, and the functional significance of this variant is currently unknown. This variant has not been reported in the literature in individuals with BRCA2-related conditions. This variant is not present in population databases (ExAC no frequency). This variant, c.8808_8831del, results in the deletion of 9 amino acid(s) and insertion of one amino acid to the BRCA2 protein (p.Leu2936_Ile2944delinsPhe), but otherwise preserves the integrity of the reading frame.

NM_000059.4(BRCA2):c.8808_8831del (p.Leu2936_Ile2944delinsPhe)

Gene: BRCA2 (BRCA2 DNA repair associated; plus strand). Cytogenetic location: 13q13.1.
Variant type: Deletion.
Coding change: c.8808_8831del on transcript NM_000059.4 (MANE Select); coding-DNA positions 8808 to 8831, 24 bases deleted (GAATGATAAGAAACAAGCTCAGAT).
Protein change: p.Leu2936_Ile2944delinsPhe.
Molecular consequence: inframe indel.
Genome position (GRCh38, 1-based): chr13:32,379,370-32,379,393, GAATGATAAGAAACAAGCTCAGAT deleted; deleting any 24 consecutive bases within chr13:32,379,369-32,379,393 gives the same sequence; the c. name uses the placement nearest the transcript's 3' end. VCF-style (leftmost placement, unchanged base first): chr13-32379368-TTGAATGATAAGAAACAAGCTCAGA-T. GRCh37 (hg19) VCF-style: chr13-32953505-TTGAATGATAAGAAACAAGCTCAGA-T.
Identifiers: ClinVar variation 1017075 (VCV001017075.9), dbSNP rs2072898775, ClinGen allele CA2082835693.